The following is an entry in ClinVar:

ClinVar aggregate classification (germline): Uncertain significance (1 of 4 stars; one submission).

Submission:

Labcorp Genetics (formerly Invitae), Labcorp
Classification: Uncertain significance. Last evaluated: 2022-12-05. Review status: criteria provided, single submitter. Criteria: Invitae Variant Classification Sherloc (09022015). Collection method: clinical testing. Allele origin: germline.
Comment: In summary, the available evidence is currently insufficient to determine the role of this variant in disease. Therefore, it has been classified as a Variant of Uncertain Significance. Advanced modeling of protein sequence and biophysical properties (such as structural, functional, and spatial information, amino acid conservation, physicochemical variation, residue mobility, and thermodynamic stability) performed at Invitae indicates that this missense variant is not expected to disrupt CETP protein function. This variant has not been reported in the literature in individuals affected with CETP-related conditions. This variant is not present in population databases (gnomAD no frequency). This sequence change replaces glycine, which is neutral and non-polar, with valine, which is neutral and non-polar, at codon 331 of the CETP protein (p.Gly331Val).

NM_000078.3(CETP):c.992G>T (p.Gly331Val)

Gene: CETP (cholesteryl ester transfer protein; plus strand). Cytogenetic location: 16q13.
Variant type: single nucleotide variant.
Coding change: c.992G>T on transcript NM_000078.3 (MANE Select); coding-DNA position 992, G replaced by T.
Protein change: p.Gly331Val; replaces glycine 331 with valine.
Molecular consequence: missense variant.
Genome position (GRCh38, 1-based): chr16:56,978,101, G>T. VCF-style: chr16-56978101-G-T. GRCh37 (hg19) VCF-style: chr16-57012013-G-T.
Other names: c.812G>T, p.Gly271Val (NM_001286085.2); short protein forms G271V, G331V.
Identifiers: ClinVar variation 2796085 (VCV002796085.3), dbSNP rs776508508, ClinGen allele CA396004798.